The following is an entry in ClinVar:

NM_000057.4(BLM):c.3210+2del

Gene: BLM (BLM RecQ like helicase; plus strand). Cytogenetic location: 15q26.1.
Variant type: Deletion.
Coding change: c.3210+2del on transcript NM_000057.4 (MANE Select); the canonical splice donor site of the intron after coding-DNA position 3210, one base deleted (T; older notation c.3210+2delT).
Molecular consequence: splice donor variant.
Genome position (GRCh38, 1-based): chr15:90,794,359, T deleted. VCF-style (leftmost placement, unchanged base first): chr15-90794358-GT-G. GRCh37 (hg19) VCF-style: chr15-91337588-GT-G.
Other names: c.3210+2del (NM_000057.3, NM_001287246.2, NM_001287247.2); c.2085+2del (NM_001287248.2).
Identifiers: ClinVar variation 127497 (VCV000127497.36), dbSNP rs587779886, ClinGen allele CA287096.

ClinVar aggregate classification (germline): Pathogenic/Likely pathogenic. Review status: criteria provided, multiple submitters, no conflicts (2 of 4 stars). 10 submissions from 10 submitters: Pathogenic (1); Likely pathogenic (9). Last evaluated 2026-01-27.

Conditions:
Hereditary cancer-predisposing syndrome. Also called: Hereditary Cancer Syndrome; Hereditary neoplastic syndrome; Tumor predisposition; Neoplastic Syndromes, Hereditary. Identifiers: Orphanet 140162, MedGen C0027672, MeSH D009386, MONDO:0015356.
Bloom syndrome (BLM). Also called: Bloom-Torre-Machacek syndrome. Identifiers: Orphanet 125, MedGen C0005859, MONDO:0008876, OMIM 210900.

Allele frequency attached by ClinVar (database versions not stated): ExAC below 0.00001; gnomAD exomes below 0.00001 and 0.00003; TOPMed 0.00002; gnomAD 0.00003.

Submissions (10):

Labcorp Genetics (formerly Invitae), Labcorp
Classification: Pathogenic for Bloom syndrome. Last evaluated: 2026-01-27. Review status: criteria provided, single submitter. Criteria: Invitae Variant Classification Sherloc (09022015). Collection method: clinical testing. Allele origin: germline.
Comment: This sequence change affects a splice site in intron 16 of the BLM gene. RNA analysis indicates that disruption of this splice site induces altered splicing and may result in an absent or altered protein product. This variant is present in population databases (rs587779886, gnomAD 0.001%). Disruption of this splice site has been observed in individual(s) with mesothelioma (PMID: 26556299, 29439820). ClinVar contains an entry for this variant (Variation ID: 127497). Studies have shown that disruption of this splice site results in skipping of exon 16, and produces a non-functional protein and/or introduces a premature termination codon (internal data). For these reasons, this variant has been classified as Pathogenic.

Myriad Genetics, Inc.
Classification: Likely pathogenic for Bloom syndrome. Last evaluated: 2025-12-10. Review status: criteria provided, single submitter. Criteria: Myriad Autosomal Dominant, Autosomal Recessive and X-Linked Classification Criteria (2023). Collection method: clinical testing. Allele origin: unknown.
Comment: This variant is considered likely pathogenic. This variant occurs within a consensus splice junction and is predicted to result in abnormal mRNA splicing of either an out-of-frame exon or an in-frame exon necessary for protein stability and/or normal function.

Revvity Omics, Revvity
Classification: Likely pathogenic for Bloom syndrome. Last evaluated: 2025-05-15. Review status: criteria provided, single submitter. Criteria: ACMG Guidelines, 2015. Collection method: clinical testing. Allele origin: germline.

Natera, Inc.
Classification: Likely pathogenic for Bloom syndrome. Last evaluated: 2025-02-18. Review status: criteria provided, single submitter. Criteria: Natera Variant Classification Schema (03/2026). Collection method: clinical testing. Allele origin: germline.
Comment: The c.3210+2delT variant in BLM is a canonical splice donor site variant predicted to affect pre-mRNA splicing, which may result in an abnormal transcript and altered protein product. This variant is expected to result in nonsense mediated decay, truncation, or a dysfunctional protein product. This variant is rare in the general population with a frequency below the threshold expected for the associated phenotype(s). Given the available evidence, this variant is classified as Likely Pathogenic.

Quest Diagnostics Nichols Institute San Juan Capistrano
Classification: Likely pathogenic. Last evaluated: 2024-04-04. Review status: criteria provided, single submitter. Criteria: Quest Diagnostics criteria. Collection method: clinical testing. Allele origin: unknown.
Comment: The BLM c.3210+2del variant disrupts a canonical splice-donor site and is predicted to interfere with normal BLM mRNA splicing. This variant has been reported in the published literature in individuals with breast cancer (PMID: 36315097 (2022)), prostate cancer (PMIDs: 31816118 (2020), 29439820 (2018)), leukemia (PMID: 31604778 (2019)), and mesothelioma (PMID: 26556299 (2016)). However, this variant in the heterozygous state has also been observed in several reportedly healthy young/middle-age individuals (PMID: 32906206 (2020), see also LOVD). The frequency of this variant in the general population, 0.0000046 (1/216206 chromosomes (Genome Aggregation Database)), is consistent with pathogenicity. Based on the available information, this variant is classified as likely pathogenic.

Fulgent Genetics
Classification: Likely pathogenic for Bloom syndrome. Last evaluated: 2024-01-24. Review status: criteria provided, single submitter. Criteria: ACMG Guidelines, 2015. Collection method: clinical testing. Allele origin: germline.

Ambry Genetics
Classification: Likely pathogenic for Hereditary cancer-predisposing syndrome. Last evaluated: 2023-11-17. Review status: criteria provided, single submitter. Criteria: Ambry Variant Classification Scheme 2023. Collection method: clinical testing. Allele origin: germline.
Comment: The c.3210+2delT intronic variant is located 2 nucleotides after coding exon 15 of the BLM gene. This variant results from a deletion of one nucleotide at position c.3210+2. This variant has been detected in metastatic prostate cancer patients (Antonarakis ES et al. Eur Urol. 2018 Aug;74(2):218-225; Ledet EM et al. Prostate, 2020 02;80:235-237). This variant has also been observed in individuals affected with mesothelioma (Schrader KA et al. JAMA Oncol, 2016 Jan;2:104-11). This nucleotide position is highly conserved in available vertebrate species. In silico splice site analysis predicts that this alteration will weaken the native splice donor site and may result in the creation or strengthening of a novel splice donor site; however, direct evidence is insufficient at this time (Ambry internal data). This variant is considered to be rare based on population cohorts in the Genome Aggregation Database (gnomAD). Alterations that disrupt the canonical splice site are expected to cause aberrant splicing, resulting in an abnormal protein or a transcript that is subject to nonsense-mediated mRNA decay. As such, this alteration is classified as likely pathogenic.

Baylor Genetics
Classification: Likely pathogenic for Bloom syndrome. Last evaluated: 2023-11-04. Review status: criteria provided, single submitter. Criteria: ACMG Guidelines, 2015. Collection method: clinical testing. Allele origin: unknown.

St. Jude Molecular Pathology, St. Jude Children's Research Hospital
Classification: Likely pathogenic for Bloom syndrome. Last evaluated: 2023-02-13. Review status: criteria provided, single submitter. Criteria: St. Jude Assertion Criteria 2020. Collection method: clinical testing. Allele origin: germline.
Comment: The BLM c.3210+2del intronic change results in the deletion of one nucleotide in intron 16 of the BLM gene. This variant is predicted to result in loss of the native splice donor site and abnormal gene splicing, resulting in nonsense-mediated decay or an abnormal protein product. This variant has been reported in at least one individual with metastatic prostate cancer (PMID: 29439820, 31816118) and in individuals with mesothelioma (PMID: 26556299). It has a maximum subpopulation frequency of 0.0010% in gnomAD v2.1.1. To our knowledge, this variant has not been reported in individuals with Bloom syndrome.  In summary, this variant meets criteria to be classified as likely pathogenic.

Women's Health and Genetics/Laboratory Corporation of America, LabCorp
Classification: Likely pathogenic for Bloom syndrome. Last evaluated: 2023-01-20. Review status: criteria provided, single submitter. Criteria: LabCorp Variant Classification Summary - May 2015. Collection method: clinical testing. Allele origin: germline.
Comment: Variant summary: BLM c.3210+2delT is located in a canonical splice-site and is predicted to affect mRNA splicing resulting in a significantly altered protein due to either exon skipping, shortening, or inclusion of intronic material. Several computational tools predict a significant impact on normal splicing: Three predict the variant abolishes the canonical 5 prime splicing donor site. However, these predictions have yet to be confirmed by functional studies. The variant allele was found at a frequency of 4.6e-06 in 216206 control chromosomes (gnomAD). c.3210+2delT has been reported in the literature in individuals affected with prostate cancer (Antonarakis_2018, Ledet_2020) and mesothelioma (Schrader _2016). In these individuals, a second pathogenic variant has not been reported. To our knowledge, no experimental evidence demonstrating an impact on protein function has been reported. Two other ClinVar submitters (evaluation after 2014) classify the variant as likely pathogenic citing overlapping evidence utilized in the context of this evaluation. Based on the evidence outlined above, the variant was classified as likely pathogenic.

Literature cited by the submitters: PubMed 26556299 (cited by 4 submitters); PubMed 29439820 (cited by 4 submitters); PubMed 31816118 (cited by 3 submitters); PubMed 36315097 (cited by Quest Diagnostics Nichols Institute San Juan Capistrano); PubMed 31604778 (cited by Quest Diagnostics Nichols Institute San Juan Capistrano); PubMed 32906206 (cited by Quest Diagnostics Nichols Institute San Juan Capistrano).